The following is an entry in ClinVar:

NM_181332.3(NLGN4X):c.562A>G (p.Ser188Gly)

Gene: NLGN4X (neuroligin 4 X-linked; minus strand). Cytogenetic location: Xp22.32.
Variant type: single nucleotide variant.
Coding change: c.562A>G on transcript NM_181332.3 (MANE Select); coding-DNA position 562, A replaced by G.
Protein change: p.Ser188Gly; replaces serine 188 with glycine.
Molecular consequence: missense variant.
Genome position (GRCh38, 1-based): chrX:6,029,343, T>C on the plus strand (A>G on the coding strand, the complement: NLGN4X is on the minus strand). VCF-style: chrX-6029343-T-C. GRCh37 (hg19) VCF-style: chrX-5947384-T-C.
Other names: c.562A>G, p.Ser188Gly (NM_001282145.2, NM_001282146.2, NM_020742.4); short protein forms S188G.
Identifiers: ClinVar variation 2136104 (VCV002136104.2), dbSNP rs1345103848, ClinGen allele CA412014412.
Genomic context (GRCh38, chrX:6,029,343, plus strand): 5'-GTATTCCCAGACGGTAGTTAATGGTGATCACGATGACGTTTCCGTAGCTTGCCAAAATGC[T>C]GCCGTCAATCATGTTGCCGGTGCCCTCCATGTAAGATCCCCCATGGATATAGACCATGAC-3'
Protein context (NP_851849.1, residues 178-198): MEGTGNMIDG[Ser188Gly]ILASYGNVIV

ClinVar aggregate classification (germline): Uncertain significance (1 of 4 stars; one submission).

Allele frequency attached by ClinVar (database versions not stated): gnomAD exomes below 0.00001; TOPMed below 0.00001; gnomAD 0.00001.
gnomAD v4.1: 2 of 1,209,417 alleles (0.00017%); highest among the groups gnomAD compares: Non-Finnish European, 0.00022%; no homozygotes.

Submission:

GeneDx
Classification: Uncertain significance. Last evaluated: 2024-07-03. Review status: criteria provided, single submitter. Criteria: GeneDx Variant Classification Process June 2021. Collection method: clinical testing. Allele origin: germline. Affected: yes.
Comment: Not observed at significant frequency in large population cohorts (gnomAD); In silico analysis supports that this missense variant has a deleterious effect on protein structure/function; Has not been previously published as pathogenic or benign to our knowledge